The following is an entry in ClinVar:

ClinVar aggregate classification (germline): Uncertain significance. Review status: criteria provided, multiple submitters, no conflicts (2 of 4 stars). 3 submissions from 3 submitters: Uncertain significance (3). Last evaluated 2024-10-28.

Conditions:
Cardiovascular phenotype. Identifiers: MedGen CN230736.

Allele frequency attached by ClinVar (database versions not stated): gnomAD 0.00001; gnomAD exomes 0.00001; TOPMed 0.00001.
gnomAD v4.1: 10 of 1,536,138 alleles (0.00065%); highest among the groups gnomAD compares: South Asian, 0.0036%; no homozygotes.

Submissions (3):

Ambry Genetics
Classification: Uncertain significance for Cardiovascular phenotype. Last evaluated: 2024-10-28. Review status: criteria provided, single submitter. Criteria: Ambry Variant Classification Scheme 2023. Collection method: clinical testing. Allele origin: germline.
Comment: The p.R66S variant (also known as c.198G>T), located in coding exon 1 of the ZNF469 gene, results from a G to T substitution at nucleotide position 198. The arginine at codon 66 is replaced by serine, an amino acid with dissimilar properties. This amino acid position is conserved. In addition, this alteration is predicted to be tolerated by in silico analysis. Since supporting evidence is limited at this time, the clinical significance of this alteration remains unclear.

Mayo Clinic Laboratories, Mayo Clinic
Classification: Uncertain significance. Last evaluated: 2023-12-29. Review status: criteria provided, single submitter. Criteria: ACMG Guidelines, 2015. Collection method: clinical testing. Allele origin: germline. Observed: 1 variant allele.
Comment: BP4, PM2

Labcorp Genetics (formerly Invitae), Labcorp
Classification: Uncertain significance. Last evaluated: 2023-10-23. Review status: criteria provided, single submitter. Criteria: Invitae Variant Classification Sherloc (09022015). Collection method: clinical testing. Allele origin: germline.
Comment: This sequence change replaces arginine, which is basic and polar, with serine, which is neutral and polar, at codon 66 of the ZNF469 protein (p.Arg66Ser). This variant is not present in population databases (gnomAD no frequency). This variant has not been reported in the literature in individuals affected with ZNF469-related conditions. ClinVar contains an entry for this variant (Variation ID: 1783947). Algorithms developed to predict the effect of missense changes on protein structure and function output the following: SIFT: "Not Available"; PolyPhen-2: "Benign"; Align-GVGD: "Not Available". The serine amino acid residue is found in multiple mammalian species, which suggests that this missense change does not adversely affect protein function. In summary, the available evidence is currently insufficient to determine the role of this variant in disease. Therefore, it has been classified as a Variant of Uncertain Significance.

NM_001367624.2(ZNF469):c.198G>T (p.Arg66Ser)

Gene: ZNF469 (zinc finger protein 469; plus strand). Cytogenetic location: 16q24.2.
Variant type: single nucleotide variant.
Coding change: c.198G>T on transcript NM_001367624.2 (MANE Select); coding-DNA position 198, G replaced by T.
Protein change: p.Arg66Ser; replaces arginine 66 with serine.
Molecular consequence: missense variant.
Genome position (GRCh38, 1-based): chr16:88,427,668, G>T. VCF-style: chr16-88427668-G-T. GRCh37 (hg19) VCF-style: chr16-88494076-G-T.
Other names: NM_001127464.1:c.198G>T; p.Arg66Ser; short protein forms R66S.
Identifiers: ClinVar variation 1783947 (VCV001783947.5), dbSNP rs1905780081, ClinGen allele CA397058616.